The following is an entry in ClinVar:

NM_006231.4(POLE):c.3437C>G (p.Thr1146Ser)

Gene: POLE (DNA polymerase epsilon, catalytic subunit; minus strand). Cytogenetic location: 12q24.33.
Variant type: single nucleotide variant.
Coding change: c.3437C>G on transcript NM_006231.4 (MANE Select); coding-DNA position 3437, C replaced by G.
Protein change: p.Thr1146Ser; replaces threonine 1146 with serine.
Molecular consequence: missense variant.
Genome position (GRCh38, 1-based): chr12:132,657,371, G>C on the plus strand (C>G on the coding strand, the complement: POLE is on the minus strand). VCF-style: chr12-132657371-G-C. GRCh37 (hg19) VCF-style: chr12-133233957-G-C.
Other names: c.3437C>G (NM_006231.2); short protein forms T1146S.
Identifiers: ClinVar variation 540802 (VCV000540802.8), dbSNP rs1555225192, ClinGen allele CA387389027.

ClinVar aggregate classification (germline): Uncertain significance. Review status: criteria provided, multiple submitters, no conflicts (2 of 4 stars). 2 submissions from 2 submitters: Uncertain significance (2). Last evaluated 2025-12-08.

Conditions:
Hereditary cancer-predisposing syndrome. Also called: Neoplastic Syndromes, Hereditary; Hereditary Cancer Syndrome; Hereditary neoplastic syndrome; Tumor predisposition. Identifiers: Orphanet 140162, MedGen C0027672, MeSH D009386, MONDO:0015356.

Allele frequency attached by ClinVar (database versions not stated): gnomAD exomes below 0.00001.
gnomAD v4.1: 1 of 1,614,124 alleles (0.000062%); highest among the groups gnomAD compares: Non-Finnish European, 0.000085%; no homozygotes.

Submissions (2):

Labcorp Genetics (formerly Invitae), Labcorp
Classification: Uncertain significance. Last evaluated: 2025-12-08. Review status: criteria provided, single submitter. Criteria: Invitae Variant Classification Sherloc (09022015). Collection method: clinical testing. Allele origin: germline.
Comment: This sequence change replaces threonine, which is neutral and polar, with serine, which is neutral and polar, at codon 1146 of the POLE protein (p.Thr1146Ser). This variant is not present in population databases (gnomAD no frequency). This variant has not been reported in the literature in individuals affected with POLE-related conditions. ClinVar contains an entry for this variant (Variation ID: 540802). Invitae Evidence Modeling of protein sequence and biophysical properties (such as structural, functional, and spatial information, amino acid conservation, physicochemical variation, residue mobility, and thermodynamic stability) indicates that this missense variant is not expected to disrupt POLE protein function with a negative predictive value of 80%. In summary, the available evidence is currently insufficient to determine the role of this variant in disease. Therefore, it has been classified as a Variant of Uncertain Significance.

Ambry Genetics
Classification: Uncertain significance for Hereditary cancer-predisposing syndrome. Last evaluated: 2022-12-16. Review status: criteria provided, single submitter. Criteria: Ambry Variant Classification Scheme 2023. Collection method: clinical testing. Allele origin: germline.
Comment: The p.T1146S variant (also known as c.3437C>G), located in coding exon 28 of the POLE gene, results from a C to G substitution at nucleotide position 3437. The threonine at codon 1146 is replaced by serine, an amino acid with similar properties. This amino acid position is conserved. In addition, this alteration is predicted to be tolerated by in silico analysis. Since supporting evidence is limited at this time, the clinical significance of this alteration remains unclear.